The following is an entry in ClinVar:

NM_177438.3(DICER1):c.137A>G (p.Lys46Arg)

Gene: DICER1 (dicer 1, ribonuclease III; minus strand). Cytogenetic location: 14q32.13.
Variant type: single nucleotide variant.
Coding change: c.137A>G on transcript NM_177438.3 (MANE Select); coding-DNA position 137, A replaced by G.
Protein change: p.Lys46Arg; replaces lysine 46 with arginine.
Molecular consequence: missense variant.
Genome position (GRCh38, 1-based): chr14:95,133,322, T>C on the plus strand (A>G on the coding strand, the complement: DICER1 is on the minus strand). VCF-style: chr14-95133322-T-C. GRCh37 (hg19) VCF-style: chr14-95599659-T-C.
Other names: c.137A>G, p.Lys46Arg (NM_001195573.1, NM_001271282.3, NM_001291628.2 and 1 more transcripts); short protein forms K46R.
Identifiers: ClinVar variation 662605 (VCV000662605.13), dbSNP rs1595468517, ClinGen allele CA390890353.

ClinVar aggregate classification (germline): Uncertain significance. Review status: criteria provided, multiple submitters, no conflicts (2 of 4 stars). 2 submissions from 2 submitters: Uncertain significance (2). Last evaluated 2025-07-29.

Conditions:
DICER1-related tumor predisposition. Also called: DICER1 syndrome; DICER1-related pleuropulmonary blastoma cancer predisposition syndrome. Identifiers: Orphanet 284343, MedGen C3839822, MONDO:0100216.
Hereditary cancer-predisposing syndrome. Also called: Neoplastic Syndromes, Hereditary; Hereditary neoplastic syndrome; Tumor predisposition; Hereditary Cancer Syndrome. Identifiers: Orphanet 140162, MedGen C0027672, MeSH D009386, MONDO:0015356.

gnomAD v4.1: 1 of 1,614,152 alleles (0.000062%); highest among the groups gnomAD compares: Non-Finnish European, 0.000085%; no homozygotes.

Submissions (2):

Labcorp Genetics (formerly Invitae), Labcorp
Classification: Uncertain significance for DICER1-related tumor predisposition. Last evaluated: 2025-07-29. Review status: criteria provided, single submitter. Criteria: Invitae Variant Classification Sherloc (09022015). Collection method: clinical testing. Allele origin: germline.
Comment: This sequence change replaces lysine, which is basic and polar, with arginine, which is basic and polar, at codon 46 of the DICER1 protein (p.Lys46Arg). This variant is not present in population databases (gnomAD no frequency). This variant has not been reported in the literature in individuals affected with DICER1-related conditions. ClinVar contains an entry for this variant (Variation ID: 662605). Invitae Evidence Modeling of protein sequence and biophysical properties (such as structural, functional, and spatial information, amino acid conservation, physicochemical variation, residue mobility, and thermodynamic stability) indicates that this missense variant is not expected to disrupt DICER1 protein function with a negative predictive value of 95%. In summary, the available evidence is currently insufficient to determine the role of this variant in disease. Therefore, it has been classified as a Variant of Uncertain Significance.

Ambry Genetics
Classification: Uncertain significance for Hereditary cancer-predisposing syndrome. Last evaluated: 2025-03-13. Review status: criteria provided, single submitter. Criteria: Ambry Variant Classification Scheme 2023. Collection method: clinical testing. Allele origin: germline.
Comment: The p.K46R variant (also known as c.137A>G), located in coding exon 1 of the DICER1 gene, results from an A to G substitution at nucleotide position 137. The lysine at codon 46 is replaced by arginine, an amino acid with highly similar properties. This amino acid position is highly conserved in available vertebrate species. In addition, the in silico prediction for this alteration is inconclusive. Based on the available evidence, the clinical significance of this variant remains unclear.